The following is an entry in ClinVar:

ClinVar aggregate classification (germline): Uncertain significance. Review status: criteria provided, multiple submitters, no conflicts (2 of 4 stars). 4 submissions from 4 submitters: Uncertain significance (4). Last evaluated 2025-08-06.

Conditions:
Inborn genetic diseases. Identifiers: MedGen C0950123, MeSH D030342.
Congenital insensitivity to pain-hypohidrosis syndrome. Also called: HSAN VIII; Neuropathy, hereditary sensory and autonomic, type VIII. Identifiers: Orphanet 478664, MedGen C4225308, MONDO:0014662, OMIM 616488.

Allele frequency attached by ClinVar (database versions not stated): gnomAD 0.00007 and 0.00006; ESP Exome Variant Server 0.00008; gnomAD exomes 0.00010 and 0.00003; ExAC 0.00003; TOPMed 0.00005.
gnomAD v4.1: 156 of 1,614,012 alleles (0.0097%); highest among the groups gnomAD compares: Non-Finnish European, 0.012%; no homozygotes.

Submissions (4):

Ambry Genetics
Classification: Uncertain significance for Inborn genetic diseases. Last evaluated: 2025-08-06. Review status: criteria provided, single submitter. Criteria: Ambry Variant Classification Scheme 2023. Collection method: clinical testing. Allele origin: germline.

Mayo Clinic Laboratories, Mayo Clinic
Classification: Uncertain significance. Last evaluated: 2024-06-14. Review status: criteria provided, single submitter. Criteria: ACMG Guidelines, 2015. Collection method: clinical testing. Allele origin: germline. Observed: 1 variant allele.
Comment: PM2

GeneDx
Classification: Uncertain significance. Last evaluated: 2022-02-08. Review status: criteria provided, single submitter. Criteria: GeneDx Variant Classification Process June 2021. Collection method: clinical testing. Allele origin: germline. Affected: yes.
Comment: Not observed at significant frequency in large population cohorts (gnomAD); In silico analysis supports that this missense variant does not alter protein structure/function; Has not been previously published as pathogenic or benign to our knowledge

Labcorp Genetics (formerly Invitae), Labcorp
Classification: Uncertain significance for Congenital insensitivity to pain-hypohidrosis syndrome. Last evaluated: 2021-09-02. Review status: criteria provided, single submitter. Criteria: Invitae Variant Classification Sherloc (09022015). Collection method: clinical testing. Allele origin: germline.
Comment: This sequence change replaces arginine with histidine at codon 147 of the PRDM12 protein (p.Arg147His). The arginine residue is highly conserved and there is a small physicochemical difference between arginine and histidine. This variant is present in population databases (rs139807684, ExAC 0.006%). This variant has not been reported in the literature in individuals affected with PRDM12-related conditions. Algorithms developed to predict the effect of missense changes on protein structure and function are either unavailable or do not agree on the potential impact of this missense change (SIFT: "Deleterious"; PolyPhen-2: "Possibly Damaging"; Align-GVGD: "Class C0"). In summary, the available evidence is currently insufficient to determine the role of this variant in disease. Therefore, it has been classified as a Variant of Uncertain Significance.

NM_021619.3(PRDM12):c.440G>A (p.Arg147His)

Gene: PRDM12 (PR/SET domain 12; plus strand). Cytogenetic location: 9q34.12.
Variant type: single nucleotide variant.
Coding change: c.440G>A on transcript NM_021619.3 (MANE Select); coding-DNA position 440, G replaced by A.
Protein change: p.Arg147His; replaces arginine 147 with histidine.
Molecular consequence: missense variant.
Genome position (GRCh38, 1-based): chr9:130,668,183, G>A. VCF-style: chr9-130668183-G-A. GRCh37 (hg19) VCF-style: chr9-133543570-G-A.
Other names: p.Arg147His; short protein forms R147H.
Identifiers: ClinVar variation 568097 (VCV000568097.11), dbSNP rs139807684, ClinGen allele CA5284541.